The following is an entry in ClinVar:

ClinVar aggregate classification (germline): Uncertain significance. Review status: criteria provided, multiple submitters, no conflicts (2 of 4 stars). 2 submissions from 2 submitters: Uncertain significance (2). Last evaluated 2024-08-02.

Allele frequency attached by ClinVar (database versions not stated): TOPMed below 0.00001; gnomAD 0.00001; ExAC 0.00002; ESP Exome Variant Server 0.00015.
gnomAD v4.1: 7 of 1,613,374 alleles (0.00043%); highest among the groups gnomAD compares: Middle Eastern, 0.017%; no homozygotes.

Submissions (2):

Blueprint Genetics
Classification: Uncertain significance. Last evaluated: 2024-08-02. Review status: criteria provided, single submitter. Criteria: ACMG Guidelines, 2015. Collection method: clinical testing. Allele origin: germline.

Labcorp Genetics (formerly Invitae), Labcorp
Classification: Uncertain significance. Last evaluated: 2022-09-19. Review status: criteria provided, single submitter. Criteria: Invitae Variant Classification Sherloc (09022015). Collection method: clinical testing. Allele origin: germline.
Comment: This sequence change replaces glutamic acid, which is acidic and polar, with lysine, which is basic and polar, at codon 951 of the MYH7B protein (p.Glu951Lys). This variant is present in population databases (rs370896124, gnomAD 0.006%). This variant has not been reported in the literature in individuals affected with MYH7B-related conditions. Algorithms developed to predict the effect of missense changes on protein structure and function (SIFT, PolyPhen-2, Align-GVGD) all suggest that this variant is likely to be disruptive. In summary, the available evidence is currently insufficient to determine the role of this variant in disease. Therefore, it has been classified as a Variant of Uncertain Significance.

NM_020884.7(MYH7B):c.2725G>A (p.Glu909Lys)

Gene: MYH7B (myosin heavy chain 7B; plus strand). Cytogenetic location: 20q11.22.
Variant type: single nucleotide variant.
Coding change: c.2725G>A on transcript NM_020884.7 (MANE Select); coding-DNA position 2725, G replaced by A.
Protein change: p.Glu909Lys; replaces glutamic acid 909 with lysine.
Molecular consequence: missense variant.
Genome position (GRCh38, 1-based): chr20:34,995,360, G>A. VCF-style: chr20-34995360-G-A. GRCh37 (hg19) VCF-style: chr20-33583163-G-A.
Other names: short protein forms E909K.
Identifiers: ClinVar variation 1981271 (VCV001981271.5), dbSNP rs370896124, ClinGen allele CA9827489.